The following is an entry in ClinVar:

ClinVar aggregate classification (germline): Uncertain significance. Review status: criteria provided, multiple submitters, no conflicts (2 of 4 stars). 3 submissions from 3 submitters: Uncertain significance (3). Last evaluated 2026-01-15.

Conditions:
Usher syndrome type 1 (USH1). Also called: RETINITIS PIGMENTOSA AND CONGENITAL DEAFNESS. Identifiers: Orphanet 231169, Orphanet 886, MedGen C1568247, MONDO:0010168, OMIM 276900.

Allele frequency attached by ClinVar (database versions not stated): gnomAD below 0.00001 and 0.00003.
gnomAD v4.1: 48 of 1,608,572 alleles (0.003%); highest among the groups gnomAD compares: South Asian, 0.053%; no homozygotes.

Submissions (3):

Labcorp Genetics (formerly Invitae), Labcorp
Classification: Uncertain significance. Last evaluated: 2026-01-15. Review status: criteria provided, single submitter. Criteria: Invitae Variant Classification Sherloc (09022015). Collection method: clinical testing. Allele origin: germline.
Comment: This sequence change replaces tyrosine, which is neutral and polar, with cysteine, which is neutral and slightly polar, at codon 222 of the PCDH15 protein (p.Tyr222Cys). This variant is present in population databases (rs755845400, gnomAD 0.05%). This variant has not been reported in the literature in individuals affected with PCDH15-related conditions. ClinVar contains an entry for this variant (Variation ID: 300201). Invitae Evidence Modeling of protein sequence and biophysical properties (such as structural, functional, and spatial information, amino acid conservation, physicochemical variation, residue mobility, and thermodynamic stability) has been performed for this missense variant. However, the output from this modeling did not meet the statistical confidence thresholds required to predict the impact of this variant on PCDH15 protein function. In summary, the available evidence is currently insufficient to determine the role of this variant in disease. Therefore, it has been classified as a Variant of Uncertain Significance.

Blueprint Genetics
Classification: Uncertain significance. Last evaluated: 2022-04-25. Review status: criteria provided, single submitter. Criteria: ACMG Guidelines, 2015. Collection method: clinical testing. Allele origin: germline.

Illumina Laboratory Services, Illumina
Classification: Uncertain significance for Usher syndrome type 1. Last evaluated: 2018-01-12. Review status: criteria provided, single submitter. Criteria: ICSL Variant Classification Criteria 13 December 2019. Collection method: clinical testing. Allele origin: germline.

NM_001384140.1(PCDH15):c.665A>G (p.Tyr222Cys)

Gene: PCDH15 (protocadherin related 15; minus strand). Cytogenetic location: 10q21.1.
Variant type: single nucleotide variant.
Coding change: c.665A>G on transcript NM_001384140.1 (MANE Select); coding-DNA position 665, A replaced by G.
Protein change: p.Tyr222Cys; replaces tyrosine 222 with cysteine.
Molecular consequence: missense variant. On other transcripts: intron variant (1).
Genome position (GRCh38, 1-based): chr10:54,329,636, T>C on the plus strand (A>G on the coding strand, the complement: PCDH15 is on the minus strand). VCF-style: chr10-54329636-T-C. GRCh37 (hg19) VCF-style: chr10-56089396-T-C.
Other names: c.680A>G, p.Tyr227Cys (NM_001142763.2, NM_001142769.4, NM_001142771.2); c.665A>G, p.Tyr222Cys (NM_001142764.2, NM_001142765.2, NM_001142766.2 and 7 more transcripts); c.599A>G, p.Tyr200Cys (NM_001142768.2, NM_001142773.2, NM_001354404.2); c.595-12195A>G (NM_001142767.2); short protein forms Y222C, Y227C, Y200C.
Identifiers: ClinVar variation 300201 (VCV000300201.9), dbSNP rs755845400, ClinGen allele CA5506629.